The following is an entry in ClinVar:

ClinVar aggregate classification (germline): Uncertain significance. Review status: criteria provided, multiple submitters, no conflicts (2 of 4 stars). 2 submissions from 2 submitters: Uncertain significance (2). Last evaluated 2024-09-06.

Allele frequency attached by ClinVar (database versions not stated): gnomAD exomes 0.00002; TOPMed 0.00002; gnomAD 0.00003; ExAC 0.00004; 1000 Genomes Project 0.00020; 1000 Genomes Project 30x 0.00031.
gnomAD v4.1: 34 of 1,613,328 alleles (0.0021%); highest among the groups gnomAD compares: Admixed American, 0.0033%; no homozygotes.

Submissions (2):

Blueprint Genetics
Classification: Uncertain significance. Last evaluated: 2024-09-06. Review status: criteria provided, single submitter. Criteria: ACMG Guidelines, 2015. Collection method: clinical testing. Allele origin: germline.

GeneDx
Classification: Uncertain significance. Last evaluated: 2022-08-22. Review status: criteria provided, single submitter. Criteria: GeneDx Variant Classification Process June 2021. Collection method: clinical testing. Allele origin: germline. Affected: yes.
Comment: In silico analysis supports that this missense variant has a deleterious effect on protein structure/function; Has not been previously published as pathogenic or benign to our knowledge

NM_001384125.1(BLTP1):c.3391G>A (p.Gly1131Ser)

Gene: BLTP1 (bridge-like lipid transfer protein family member 1; plus strand). Cytogenetic location: 4q27.
Variant type: single nucleotide variant.
Coding change: c.3391G>A on transcript NM_001384125.1 (MANE Select); coding-DNA position 3391, G replaced by A.
Protein change: p.Gly1131Ser; replaces glycine 1131 with serine.
Molecular consequence: missense variant.
Genome position (GRCh38, 1-based): chr4:122,234,840, G>A. VCF-style: chr4-122234840-G-A. GRCh37 (hg19) VCF-style: chr4-123155995-G-A.
Other names: c.3391G>A, p.Gly1131Ser (NM_015312.4); short protein forms G1131S.
Identifiers: ClinVar variation 1703419 (VCV001703419.3), dbSNP rs540034326, ClinGen allele CA3066137.